The following is an entry in ClinVar:

NM_001854.4(COL11A1):c.4264C>T (p.Pro1422Ser)

Gene: COL11A1 (collagen type XI alpha 1 chain; minus strand). Cytogenetic location: 1p21.1.
Variant type: single nucleotide variant.
Coding change: c.4264C>T on transcript NM_001854.4 (MANE Select); coding-DNA position 4264, C replaced by T.
Protein change: p.Pro1422Ser; replaces proline 1422 with serine.
Molecular consequence: missense variant. On other transcripts: non-coding transcript variant (1).
Genome position (GRCh38, 1-based): chr1:102,898,163, G>A on the plus strand (C>T on the coding strand, the complement: COL11A1 is on the minus strand). VCF-style: chr1-102898163-G-A. GRCh37 (hg19) VCF-style: chr1-103363719-G-A.
Other names: c.4147C>T, p.Pro1383Ser (NM_001190709.2); c.4300C>T, p.Pro1434Ser (NM_080629.3); c.3916C>T, p.Pro1306Ser (NM_080630.4); short protein forms P1306S, P1383S, P1422S, P1434S.
Identifiers: ClinVar variation 4848087 (VCV004848087.1).

ClinVar aggregate classification (germline): Uncertain significance (1 of 4 stars; one submission).

Submission:

Women's Health and Genetics/Laboratory Corporation of America, LabCorp
Classification: Uncertain significance. Last evaluated: 2026-02-03. Review status: criteria provided, single submitter. Criteria: LabCorp Variant Classification Summary - May 2015. Collection method: clinical testing. Allele origin: germline.
Comment: Variant summary: COL11A1 c.4264C>T (p.Pro1422Ser) results in a non-conservative amino acid change in the encoded protein sequence. Algorithms developed to predict the effect of missense changes on protein structure and function all suggest that this variant is likely to be disruptive. The frequency data for this variant in gnomAD is considered unreliable, as metrics indicate poor data quality at this position. To our knowledge, no occurrence of c.4264C>T in individuals affected with COL11A1-related conditions and no experimental evidence demonstrating its impact on protein function have been reported. No submitters have cited clinical-significance assessments for this variant to ClinVar. Based on the evidence outlined above, the variant was classified as uncertain significance.